The following is an entry in ClinVar:

ClinVar aggregate classification (germline): Uncertain significance (1 of 4 stars; one submission).

Conditions:
Cardiovascular phenotype. Identifiers: MedGen CN230736.

Allele frequency attached by ClinVar (database versions not stated): gnomAD exomes below 0.00001.
gnomAD v4.1: 2 of 1,614,200 alleles (0.00012%); highest among the groups gnomAD compares: South Asian, 0.0022%; no homozygotes.

Submission:

Ambry Genetics
Classification: Uncertain significance for Cardiovascular phenotype. Last evaluated: 2024-04-18. Review status: criteria provided, single submitter. Criteria: Ambry Variant Classification Scheme 2023. Collection method: clinical testing. Allele origin: germline.
Comment: The p.M247I variant (also known as c.741G>A), located in coding exon 4 of the CYP27A1 gene, results from a G to A substitution at nucleotide position 741. The methionine at codon 247 is replaced by isoleucine, an amino acid with highly similar properties. This amino acid position is conserved. In addition, the in silico prediction for this alteration is inconclusive. Based on the available evidence, the clinical significance of this variant remains unclear.

NM_000784.4(CYP27A1):c.741G>A (p.Met247Ile)

Gene: CYP27A1 (cytochrome P450 family 27 subfamily A member 1; plus strand). Cytogenetic location: 2q35.
Variant type: single nucleotide variant.
Coding change: c.741G>A on transcript NM_000784.4 (MANE Select); coding-DNA position 741, G replaced by A.
Protein change: p.Met247Ile; replaces methionine 247 with isoleucine.
Molecular consequence: missense variant.
Genome position (GRCh38, 1-based): chr2:218,812,646, G>A. VCF-style: chr2-218812646-G-A. GRCh37 (hg19) VCF-style: chr2-219677369-G-A.
Other names: short protein forms M247I.
Identifiers: ClinVar variation 3079440 (VCV003079440.2), dbSNP rs1212209109, ClinGen allele CA350586734.
Genomic context (GRCh38, chr2:218,812,646, plus strand): 5'-CTGCCTGCAGCGATCCATCCCCGAGGACACCGTGACCTTCGTCAGATCCATCGGGTTAAT[G>A]TTCCAGAACTCACTCTATGCCACCTTCCTCCCCAAGTGGACTCGCCCCGTGCTGCCTTTC-3'
Protein context (NP_000775.1, residues 237-257): TVTFVRSIGL[Met247Ile]FQNSLYATFL